The following is an entry in ClinVar:

ClinVar aggregate classification (germline): Likely pathogenic (1 of 4 stars; one submission).

Submission:

Labcorp Genetics (formerly Invitae), Labcorp
Classification: Likely pathogenic. Last evaluated: 2022-05-05. Review status: criteria provided, single submitter. Criteria: Invitae Variant Classification Sherloc (09022015). Collection method: clinical testing. Allele origin: germline.
Comment: In summary, the currently available evidence indicates that the variant is pathogenic, but additional data are needed to prove that conclusively. Therefore, this variant has been classified as Likely Pathogenic. This sequence change results in a frameshift in the CNGB3 gene (p.Gly709Glufs*120). While this is not anticipated to result in nonsense mediated decay, it is expected to disrupt the last 101 amino acid(s) of the CNGB3 protein and extend the protein by 18 additional amino acid residues. This variant is not present in population databases (gnomAD no frequency). This variant has not been reported in the literature in individuals affected with CNGB3-related conditions. This variant disrupts the C-terminus of the CNGB3 protein. Other variant(s) that disrupt this region (p.Gln727Lysfs*101, p.Asp741Ilefs*88, p.Ser787Alafs*42) have been observed in individuals with CNGB3-related conditions (PMID: 28795510; Invitae). This suggests that this may be a clinically significant region of the protein.

Literature cited by the submitters: PubMed 28795510.

NM_019098.5(CNGB3):c.2124del (p.Gly709fs)

Gene: CNGB3 (cyclic nucleotide gated channel subunit beta 3; minus strand). Cytogenetic location: 8q21.3.
Variant type: Deletion.
Coding change: c.2124del on transcript NM_019098.5 (MANE Select); coding-DNA position 2124, one base deleted (A; older notation c.2124delA).
Protein change: p.Gly709fs; shifts the reading frame from glycine 709.
Molecular consequence: frameshift variant.
Genome position (GRCh38, 1-based): chr8:86,576,110, T deleted on the plus strand (A on the coding strand, the reverse complement: CNGB3 is on the minus strand). VCF-style (leftmost placement, unchanged base first): chr8-86576109-CT-C. GRCh37 (hg19) VCF-style: chr8-87588337-CT-C.
Other names: short protein forms G709fs.
Identifiers: ClinVar variation 2134395 (VCV002134395.4), dbSNP rs2538025130, ClinGen allele CA2580078985.